The following is an entry in ClinVar:

ClinVar aggregate classification (germline): Uncertain significance (1 of 4 stars; one submission).

Submission:

Labcorp Genetics (formerly Invitae), Labcorp
Classification: Uncertain significance. Last evaluated: 2022-05-05. Review status: criteria provided, single submitter. Criteria: Invitae Variant Classification Sherloc (09022015). Collection method: clinical testing. Allele origin: germline.
Comment: In summary, the available evidence is currently insufficient to determine the role of this variant in disease. Therefore, it has been classified as a Variant of Uncertain Significance. Algorithms developed to predict the effect of sequence changes on RNA splicing suggest that this variant may disrupt the consensus splice site. This variant has not been reported in the literature in individuals affected with UNC119-related conditions. This variant is not present in population databases (gnomAD no frequency). This sequence change affects a splice site in intron 2 of the UNC119 gene. It is expected to disrupt RNA splicing. Variants that disrupt the donor or acceptor splice site typically lead to a loss of protein function (PMID: 16199547), however the current clinical and genetic evidence is not sufficient to establish whether loss-of-function variants in UNC119 cause disease.

Literature cited by the submitters: PubMed 16199547.

NM_005148.4(UNC119):c.334+1dup

Gene: UNC119 (unc-119 lipid binding chaperone; minus strand). Cytogenetic location: 17q11.2.
Variant type: Duplication.
Coding change: c.334+1dup on transcript NM_005148.4 (MANE Select); the canonical splice donor site of the intron after coding-DNA position 334, one base duplicated (G; older notation c.334+1dupG).
Molecular consequence: splice donor variant.
Genome position (GRCh38, 1-based): chr17:28,548,591, C duplicated on the plus strand (G on the coding strand, the reverse complement: UNC119 is on the minus strand); the first of 2 consecutive C bases (chr17:28,548,591-28,548,592); duplicating either gives the same sequence. VCF-style (leftmost placement, unchanged base first): chr17-28548590-A-AC. GRCh37 (hg19) VCF-style: chr17-26875608-A-AC.
Other names: c.334+1dup (NM_054035.2); c.49+1dup (NM_001330166.2).
Identifiers: ClinVar variation 2134275 (VCV002134275.4), dbSNP rs2508466447, ClinGen allele CA2580092758.